The following is an entry in ClinVar:

NM_000059.4(BRCA2):c.3189_3192del (p.Ser1064fs)

Gene: BRCA2 (BRCA2 DNA repair associated; plus strand). Cytogenetic location: 13q13.1.
Variant type: Deletion.
Coding change: c.3189_3192del on transcript NM_000059.4 (MANE Select); coding-DNA positions 3189 to 3192, 4 bases deleted (GTCA; older notation c.3189_3192delGTCA).
Protein change: p.Ser1064fs; shifts the reading frame from serine 1064.
Molecular consequence: frameshift variant.
Genome position (GRCh38, 1-based): chr13:32,337,544-32,337,547, GTCA deleted; deleting any 4 consecutive bases within chr13:32,337,541-32,337,547 gives the same sequence; the c. name uses the placement nearest the transcript's 3' end. VCF-style (leftmost placement, unchanged base first): chr13-32337540-CTCAG-C. GRCh37 (hg19) VCF-style: chr13-32911677-CTCAG-C.
Other names: 3417del4; c.3189_3192delGTCA (NM_000059.3).
Identifiers: ClinVar variation 51418 (VCV000051418.26), dbSNP rs80359374, ClinGen allele CA017491.

ClinVar aggregate classification (germline): Pathogenic. Review status: reviewed by expert panel (3 of 4 stars). 12 submissions from 12 submitters: Pathogenic (1). 11 of the submissions do not count toward it. Last evaluated 2016-09-08.

Conditions:
Pancreatic cancer, susceptibility to, 2. Identifiers: Orphanet 1333, MedGen C3150546, MONDO:0013235, OMIM 613347.
Glioma susceptibility 3 (GLM3). Also called: Glioblastoma 3. Identifiers: Orphanet 182067, Orphanet 360, MedGen C2751641, MONDO:0013093, OMIM 613029.
Familial prostate cancer. Also called: Hereditary Prostate Cancer. Identifiers: MedGen C2931456, MONDO:0700275, OMIM 176807.
Breast-ovarian cancer, familial, susceptibility to, 2 (BROVCA2). Also called: BRCA2 Hereditary Breast and Ovarian Cancer. Identifiers: Orphanet 145, MedGen C2675520, MONDO:0012933, OMIM 612555. Disease mechanism: loss of function.
Fanconi anemia complementation group D1. Also called: BRCA2-Related Fanconi Anemia. Identifiers: Orphanet 319462, MedGen C1838457, MONDO:0011584, OMIM 605724.
Medulloblastoma (MDB). Also called: Medulloblastoma, somatic; MEDULLOBLASTOMA PREDISPOSITION SYNDROME. Identifiers: Orphanet 616, MedGen C0025149, MeSH D008527, MONDO:0007959, OMIM 155255, HP:0002885.
Wilms tumor 1 (WT1). Also called: Wilms tumor, somatic. Identifiers: Orphanet 654, MedGen CN033288, MONDO:0008679, OMIM 194070.
Familial cancer of breast. Also called: BREAST CANCER, FAMILIAL; hereditary breast carcinoma; Hereditary breast cancer. Identifiers: Orphanet 227535, MedGen C0346153, MONDO:0016419, OMIM 114480. Disease mechanism: loss of function.
Hereditary cancer-predisposing syndrome. Also called: Neoplastic Syndromes, Hereditary; Tumor predisposition; Hereditary Cancer Syndrome; Hereditary neoplastic syndrome. Identifiers: Orphanet 140162, MedGen C0027672, MeSH D009386, MONDO:0015356.
Hereditary breast ovarian cancer syndrome. Also called: Breast and ovarian cancer; Hereditary breast and ovarian cancer; Hereditary breast and ovarian cancer syndrome (HBOC); Hereditary breast and ovarian cancer syndrome; BRCA1- and BRCA2-Associated Hereditary Breast and Ovarian Cancer; Hereditary breast and/or ovarian cancer syndrome. Identifiers: Orphanet 145, MedGen C0677776, MeSH D061325, MONDO:0003582. Disease mechanism: loss of function.

Submissions (12):

Evidence-based Network for the Interpretation of Germline Mutant Alleles (ENIGMA)
Classification: Pathogenic for Breast-ovarian cancer, familial, susceptibility to, 2. Last evaluated: 2016-09-08. Review status: reviewed by expert panel. Criteria: ENIGMA BRCA1/2 Classification Criteria (2015). Collection method: curation. Allele origin: germline.
Comment: Variant allele predicted to encode a truncated non-functional protein.

Dasa
Classification: Pathogenic for Breast-ovarian cancer, familial, susceptibility to, 2. Last evaluated: 2026-01-20. Review status: criteria provided, single submitter. Criteria: DASA Assertion Criteria. Collection method: clinical testing. Allele origin: germline. Not counted in ClinVar's aggregate classification.
Comment: NM_000059.4(BRCA2):c.3189_3192del (p.Ser1064Leufs*12) is a frameshift variant in BRCA2 predicted to alter the reading frame and introduce a premature termination codon and is predicted to result in an absent or altered protein product. Loss of function is an established disease mechanism for BRCA2 (PMID: 16199546; PMID: 17063271; PMID: 25632310). The affected residue or protein region has prior evidence supporting clinical relevance. Also, this variant is rare in population databases. Based on the currently available evidence, this variant is classified as pathogenic.

Labcorp Genetics (formerly Invitae), Labcorp
Classification: Pathogenic for Hereditary breast ovarian cancer syndrome. Last evaluated: 2025-11-16. Review status: criteria provided, single submitter. Criteria: Invitae Variant Classification Sherloc (09022015). Collection method: clinical testing. Allele origin: germline. Not counted in ClinVar's aggregate classification.
Comment: This sequence change creates a premature translational stop signal (p.Ser1064Leufs*12) in the BRCA2 gene. It is expected to result in an absent or disrupted protein product. Loss-of-function variants in BRCA2 are known to be pathogenic (PMID: 20104584). This variant is not present in population databases (gnomAD no frequency). This premature translational stop signal has been observed in individual(s) with breast cancer (PMID: 10505028, 26911350). This variant is also known as c.3186_3189delTCAG or 3414delTCAG. ClinVar contains an entry for this variant (Variation ID: 51418). For these reasons, this variant has been classified as Pathogenic.

Women's Health and Genetics/Laboratory Corporation of America, LabCorp
Classification: Pathogenic for Hereditary breast ovarian cancer syndrome. Last evaluated: 2025-09-15. Review status: criteria provided, single submitter. Criteria: LabCorp Variant Classification Summary - May 2015. Collection method: clinical testing. Allele origin: germline. Not counted in ClinVar's aggregate classification.
Comment: Variant summary: BRCA2 c.3189_3192delGTCA (p.Ser1064LeufsX12) results in a premature termination codon, predicted to cause absence of the protein due to nonsense mediated decay, which is a commonly known mechanism for disease. The variant was absent in 247056 control chromosomes. c.3189_3192delGTCA has been observed in individual(s) affected with Breast Cancer (examples Elmetnawy_2025). These data indicate that the variant is very likely associated with disease. To our knowledge, no experimental evidence demonstrating an impact on protein function has been reported. The following publication has been ascertained in the context of this evaluation (PMID: 40681599). ClinVar contains an entry for this variant (Variation ID: 51418). Based on the evidence outlined above, the variant was classified as pathogenic.

Quest Diagnostics Nichols Institute San Juan Capistrano
Classification: Pathogenic. Last evaluated: 2024-03-12. Review status: criteria provided, single submitter. Criteria: Quest Diagnostics criteria. Collection method: clinical testing. Allele origin: unknown. Not counted in ClinVar's aggregate classification.
Comment: The BRCA2 c.3189_3192del (p.Ser1064Leufs*12) variant alters the translational reading frame of the BRCA2 mRNA and causes the premature termination of BRCA2 protein synthesis. This variant has been reported in the published literature in individuals with breast cancer (PMID: 35220195 (2022), 34645131 (2022), 31174498 (2019), 29470806 (2018), 29335924 (2018), 26911350 (2016)), esophagus squamous cell carcinoma (PMID: 29625052 (2018)), and male breast cancer (PMID: 10505028 (1999)). This variant has not been reported in large, multi-ethnic general populations (Genome Aggregation Database). Based on the available information, this variant is classified as pathogenic.

Ambry Genetics
Classification: Pathogenic for Hereditary cancer-predisposing syndrome. Last evaluated: 2023-12-07. Review status: criteria provided, single submitter. Criteria: Ambry Variant Classification Scheme 2023. Collection method: clinical testing. Allele origin: germline. Not counted in ClinVar's aggregate classification.
Comment: The c.3189_3192delGTCA pathogenic mutation, located in coding exon 10 of the BRCA2 gene, results from a deletion of 4 nucleotides at nucleotide positions 3189 to 3192, causing a translational frameshift with a predicted alternate stop codon (p.S1064Lfs*12). This alteration has been reported in multiple breast and/or ovarian cancer families (Balci A et al. Eur. J. Cancer, 1999 May;35:707-10; Jakimovska M et al. Breast Cancer Res. Treat., 2018 Apr;168:745-753; Rebbeck TR et al. Hum. Mutat., 2018 05;39:593-620; Singh J et al. Breast Cancer Res. Treat., 2018 Jul;170:189-196; Cao WM et al. BMC Cancer, 2019 Jun;19:551; Farra C et al. Hered Cancer Clin Pract, 2019 Jan;17:4). Of note, this alteration is also designated as 3414del4 and c.3186_3189delTCAG in published literature. In addition to the clinical data presented in the literature, this alteration is expected to result in loss of function by premature protein truncation or nonsense-mediated mRNA decay. As such, this alteration is interpreted as a disease-causing mutation.

Institute of Human Genetics, University of Leipzig Medical Center
Classification: Pathogenic for Familial cancer of breast. Last evaluated: 2021-05-10. Review status: criteria provided, single submitter. Criteria: ACMG Guidelines, 2015. Collection method: clinical testing. Allele origin: unknown. Inheritance: Autosomal dominant inheritance. Affected: yes. Not counted in ClinVar's aggregate classification.

GeneKor MSA
Classification: Pathogenic. Last evaluated: 2020-01-01. Review status: criteria provided, single submitter. Criteria: ACMG Guidelines, 2015. Collection method: clinical testing. Allele origin: germline. Not counted in ClinVar's aggregate classification.
Comment: This sequence change deletes 4 nucleotides in exon 11 of BRCA2 mRNA (c.3189_3192delGTCA), causing a frameshift after codon 1064 and the creation of a premature translation stop signal 12 amino acid residues later (p.Ser1064Leufs*12). This is expected to result in an absent or disrupted protein product. Truncating variants in BRCA2 are known to be pathogenic. The mutation database ClinVar contains entries for this variant (Variation ID: 51418). This variant is also known as 3417del4 in the literature using alternative nomenclature.

Consortium of Investigators of Modifiers of BRCA1/2 (CIMBA), c/o University of Cambridge
Classification: Pathogenic for Breast-ovarian cancer, familial, susceptibility to, 2. Last evaluated: 2015-10-02. Review status: criteria provided, single submitter. Criteria: CIMBA Mutation Classification guidelines May 2016. Collection method: clinical testing. Allele origin: germline. Not counted in ClinVar's aggregate classification.

Juno Genomics, Hangzhou Juno Genomics, Inc
Classification: Pathogenic for Familial cancer of breast; Breast-ovarian cancer, familial, susceptibility to, 2; Glioma susceptibility 3; Medulloblastoma; Pancreatic cancer, susceptibility to, 2; Familial prostate cancer; Fanconi anemia complementation group D1; Wilms tumor 1. Review status: criteria provided, single submitter. Criteria: ACMG Guidelines, 2015. Collection method: clinical testing. Allele origin: germline. Not counted in ClinVar's aggregate classification.
Comment: Absent from controls (or at extremely low frequency if recessive) in Genome Aggregation Database.;Null variant in a gene where loss of function (LOF) is a known mechanism of disease.;The prevalence of the variant in affected individuals is significantly increased compared to the prevalence in controls.

Research Molecular Genetics Laboratory, Women's College Hospital, University of Toronto
Classification: Pathogenic for Hereditary breast ovarian cancer syndrome. Last evaluated: 2014-01-31. Review status: no assertion criteria provided. Collection method: research. Allele origin: germline. Affected: yes. Study: The Canadian Open Genetics Repository (COGR). Not counted in ClinVar's aggregate classification.

Breast Cancer Information Core (BIC) (BRCA2)
Classification: Pathogenic for Breast-ovarian cancer, familial 2. Last evaluated: 2001-10-29. Review status: no assertion criteria provided. Collection method: clinical testing. Allele origin: germline. Affected: yes. Observed: 1 variant allele. Not counted in ClinVar's aggregate classification.

Literature cited by the submitters: PubMed 16199546 (cited by Dasa); PubMed 17063271 (cited by Dasa); PubMed 25632310 (cited by Dasa); PubMed 20104584 (cited by Labcorp Genetics (formerly Invitae), Labcorp); PubMed 10505028 (cited by 3 submitters); PubMed 26911350 (cited by Labcorp Genetics (formerly Invitae), Labcorp and Quest Diagnostics Nichols Institute San Juan Capistrano); PubMed 40681599 (cited by Women's Health and Genetics/Laboratory Corporation of America, LabCorp); PubMed 34645131 (cited by Quest Diagnostics Nichols Institute San Juan Capistrano); PubMed 35220195 (cited by Quest Diagnostics Nichols Institute San Juan Capistrano); PubMed 31174498 (cited by Quest Diagnostics Nichols Institute San Juan Capistrano and Ambry Genetics); PubMed 34413315 (cited by Quest Diagnostics Nichols Institute San Juan Capistrano); PubMed 29625052 (cited by Quest Diagnostics Nichols Institute San Juan Capistrano); PubMed 29335924 (cited by Quest Diagnostics Nichols Institute San Juan Capistrano and Ambry Genetics); PubMed 29470806 (cited by Quest Diagnostics Nichols Institute San Juan Capistrano and Ambry Genetics); PubMed 29446198 (cited by Quest Diagnostics Nichols Institute San Juan Capistrano and Ambry Genetics); PubMed 31209999 (cited by Quest Diagnostics Nichols Institute San Juan Capistrano and Ambry Genetics); PubMed 30675319 (cited by Quest Diagnostics Nichols Institute San Juan Capistrano and Ambry Genetics); PubMed 29489754 (cited by Ambry Genetics).